The following is an entry in ClinVar:

ClinVar aggregate classification (germline): Pathogenic. Review status: reviewed by expert panel (3 of 4 stars). 5 submissions from 5 submitters: Pathogenic (1). 4 of the submissions do not count toward it. Last evaluated 2025-06-26.

Conditions:
Glycogen storage disease, type II (IOPD). Also called: CARDIOMEGALIA GLYCOGENICA DIFFUSA; POMPE DISEASE, INFANTILE-ONSET; GLYCOGEN STORAGE DISEASE II, INFANTILE-ONSET; ACID ALPHA-GLUCOSIDASE DEFICIENCY, INFANTILE-ONSET; GAA DEFICIENCY, INFANTILE-ONSET; ACID MALTASE DEFICIENCY, INFANTILE-ONSET. Identifiers: Orphanet 365, MedGen C0017921, MONDO:0009290, OMIM 232300.

Submissions (5):

ClinGen Lysosomal Storage Disorder Variant Curation Expert Panel
Classification: Pathogenic for Glycogen storage disease, type II. Last evaluated: 2025-06-26. Review status: reviewed by expert panel. Criteria: clingen_lsd_acmg_specifications_v2-1. Collection method: curation. Allele origin: germline. Inheritance: Autosomal recessive inheritance.
Comment: The NM_000152.5:c.1431del (p.Ile477MetfsTer43) variant in GAA is a frameshift variant predicted to cause a premature stop codon, leading to nonsense mediated decay in a gene in which loss-of-function is an established disease mechanism (PVS1). At least one patient from Saudi Arabia, homozygous for the variant, has been reported with infantile onset Pompe disease, on enzyme replacement therapy (PMID: 27629047, 30023291) (PM3_Supporting, PP4). The variant is absent in gnomAD v4.1.0. (PM2_Supporting). There is a ClinVar entry for this variant (Variation ID 694453). In summary, this variant meets the criteria to be classified as pathogenic for Pompe disease. GAA-specific ACMG/AMP criteria met, based on the specifications of the ClinGen Lysosomal Diseases VCEP (Specifications Version 2.0.0): PVS1, PP4, PM2_Supporting, PM3_Supporting. (Classification approved by the ClinGen Lysosomal Diseases VCEP on June 26, 2025).

Genomenon, Inc
Classification: Pathogenic for Glycogen storage disease, type II. Last evaluated: 2026-07-01. Review status: criteria provided, single submitter. Criteria: Genomenon Sequence Variant Interpretation Standards - Updated. Collection method: curation. Allele origin: germline. Affected: yes. Not counted in ClinVar's aggregate classification.
Comment: GAA p.Ile477MetfsTer43 (c.1431del) is a frameshift variant that is predicted to introduce a premature termination codon and result in a truncated or absent protein product. This variant has been observed in at least one proband with a GAA-related disorder (PMID:38956129;30023291). It is absent or not present at a significant frequency in gnomAD. In conclusion, we classify GAA p.Ile477MetfsTer43 (c.1431del) as a pathogenic variant.

Genomic Medicine Center of Excellence, King Faisal Specialist Hospital and Research Centre
Classification: Uncertain significance for Glycogen storage disease, type II. Last evaluated: 2024-03-26. Review status: criteria provided, single submitter. Criteria: ACMG Guidelines, 2015. Collection method: clinical testing. Allele origin: germline. Not counted in ClinVar's aggregate classification.

Labcorp Genetics (formerly Invitae), Labcorp
Classification: Pathogenic for Glycogen storage disease, type II. Last evaluated: 2023-03-03. Review status: criteria provided, single submitter. Criteria: Invitae Variant Classification Sherloc (09022015). Collection method: clinical testing. Allele origin: germline. Not counted in ClinVar's aggregate classification.
Comment: This sequence change creates a premature translational stop signal (p.Ile477Metfs*43) in the GAA gene. It is expected to result in an absent or disrupted protein product. Loss-of-function variants in GAA are known to be pathogenic (PMID: 18425781, 22252923). This variant is not present in population databases (gnomAD no frequency). For these reasons, this variant has been classified as Pathogenic. ClinVar contains an entry for this variant (Variation ID: 694453). This premature translational stop signal has been observed in individual(s) with GAA-related conditions (PMID: 27629047).

Medical Molecular Genetics Department, National Research Center
Classification: Pathogenic for Glycogen storage disease, type II. Last evaluated: 2019-07-07. Review status: criteria provided, single submitter. Criteria: ACMG Guidelines, 2015. Collection method: clinical testing. Allele origin: germline. Affected: yes. Observed: 1 variant allele. Not counted in ClinVar's aggregate classification.

Literature cited by the submitters: PubMed 38956129 (cited by Genomenon, Inc); PubMed 30023291 (cited by Genomenon, Inc); PubMed 18425781 (cited by Labcorp Genetics (formerly Invitae), Labcorp); PubMed 22252923 (cited by Labcorp Genetics (formerly Invitae), Labcorp); PubMed 27629047 (cited by Labcorp Genetics (formerly Invitae), Labcorp).

NM_000152.5(GAA):c.1431del (p.Ile477fs)

Gene: GAA (alpha glucosidase; plus strand). Cytogenetic location: 17q25.3.
Variant type: Deletion.
Coding change: c.1431del on transcript NM_000152.5 (MANE Select); coding-DNA position 1431, one base deleted (T; older notation c.1431delT).
Protein change: p.Ile477fs; shifts the reading frame from isoleucine 477.
Molecular consequence: frameshift variant.
Genome position (GRCh38, 1-based): chr17:80,110,049, T deleted; the last of 2 consecutive T bases (chr17:80,110,048-80,110,049); deleting either gives the same sequence. VCF-style (leftmost placement, unchanged base first): chr17-80110047-AT-A. GRCh37 (hg19) VCF-style: chr17-78083846-AT-A.
Other names: c.1431del, p.Ile477fs (NM_001079803.3, NM_001079804.3); c.1431_1431delT (NM_000152.5); short protein forms I477fs.
Identifiers: ClinVar variation 694453 (VCV000694453.12), dbSNP rs1598580364, ClinGen allele CA502178465.